The following is an entry in ClinVar:

NM_001394062.1(MACF1):c.13568A>T (p.Lys4523Met)

Gene: MACF1 (microtubule actin crosslinking factor 1; plus strand). Cytogenetic location: 1p34.3.
Variant type: single nucleotide variant.
Coding change: c.13568A>T on transcript NM_001394062.1 (MANE Select); coding-DNA position 13568, A replaced by T.
Protein change: p.Lys4523Met; replaces lysine 4523 with methionine.
Molecular consequence: missense variant.
Genome position (GRCh38, 1-based): chr1:39,380,293, A>T. VCF-style: chr1-39380293-A-T. GRCh37 (hg19) VCF-style: chr1-39845965-A-T.
Other names: c.7382A>T, p.Lys2461Met (NM_012090.5); short protein forms K2461M, K4523M.
Identifiers: ClinVar variation 1693416 (VCV001693416.2), dbSNP rs2148554945, ClinGen allele CA339831831.

ClinVar aggregate classification (germline): Uncertain significance (1 of 4 stars; one submission).

Submission:

GeneDx
Classification: Uncertain significance. Last evaluated: 2022-01-04. Review status: criteria provided, single submitter. Criteria: GeneDx Variant Classification Process June 2021. Collection method: clinical testing. Allele origin: germline. Affected: yes.
Comment: Not observed at significant frequency in large population cohorts (gnomAD); In silico analysis supports that this missense variant has a deleterious effect on protein structure/function; Has not been previously published as pathogenic or benign to our knowledge